The following is an entry in ClinVar:

NM_006231.4(POLE):c.2865-2A>G

Gene: POLE (DNA polymerase epsilon, catalytic subunit; minus strand). Cytogenetic location: 12q24.33.
Variant type: single nucleotide variant.
Coding change: c.2865-2A>G on transcript NM_006231.4 (MANE Select); the canonical splice acceptor site of the intron before coding-DNA position 2865, A replaced by G.
Molecular consequence: splice acceptor variant.
Genome position (GRCh38, 1-based): chr12:132,661,166, T>C on the plus strand (A>G on the coding strand, the complement: POLE is on the minus strand). VCF-style: chr12-132661166-T-C. GRCh37 (hg19) VCF-style: chr12-133237752-T-C.
Identifiers: ClinVar variation 405693 (VCV000405693.11), dbSNP rs867360056, ClinGen allele CA16613902.

ClinVar aggregate classification (germline): Likely pathogenic (1 of 4 stars; one submission).

gnomAD v4.1: 3 of 1,518,818 alleles (0.0002%); highest among the groups gnomAD compares: Non-Finnish European, 0.00026%; no homozygotes.

Submission:

Labcorp Genetics (formerly Invitae), Labcorp
Classification: Likely pathogenic. Last evaluated: 2025-02-17. Review status: criteria provided, single submitter. Criteria: Invitae Variant Classification Sherloc (09022015). Collection method: clinical testing. Allele origin: germline.
Comment: This sequence change affects an acceptor splice site in intron 24 of the POLE gene. It is expected to disrupt RNA splicing. Variants that disrupt the donor or acceptor splice site typically lead to a loss of protein function (PMID: 16199547), and loss-of-function variants in POLE are known to be pathogenic (PMID: 23230001, 25948378, 30503519). This variant is not present in population databases (gnomAD no frequency). This variant has not been reported in the literature in individuals affected with POLE-related conditions. ClinVar contains an entry for this variant (Variation ID: 405693). Algorithms developed to predict the effect of sequence changes on RNA splicing suggest that this variant may disrupt the consensus splice site. In summary, the currently available evidence indicates that the variant is pathogenic, but additional data are needed to prove that conclusively. Therefore, this variant has been classified as Likely Pathogenic.

Literature cited by the submitters: PubMed 16199547; PubMed 23230001; PubMed 25948378; PubMed 30503519.